The following is an entry in ClinVar:

ClinVar aggregate classification (germline): Pathogenic (1 of 4 stars; one submission).

Submission:

Labcorp Genetics (formerly Invitae), Labcorp
Classification: Pathogenic. Last evaluated: 2022-12-03. Review status: criteria provided, single submitter. Criteria: Invitae Variant Classification Sherloc (09022015). Collection method: clinical testing. Allele origin: germline.
Comment: This sequence change creates a premature translational stop signal (p.Gln2564Serfs*32) in the DMXL2 gene. It is expected to result in an absent or disrupted protein product. Loss-of-function variants in DMXL2 are known to be pathogenic (PMID: 30237576, 31688942). This variant is not present in population databases (gnomAD no frequency). This variant has not been reported in the literature in individuals affected with DMXL2-related conditions. For these reasons, this variant has been classified as Pathogenic.

Literature cited by the submitters: PubMed 30237576; PubMed 31688942.

NM_001378457.1(DMXL2):c.7689del (p.Gln2564fs)

Gene: DMXL2 (Dmx like 2; minus strand). Cytogenetic location: 15q21.2.
Variant type: Deletion.
Coding change: c.7689del on transcript NM_001378457.1 (MANE Select); coding-DNA position 7689, one base deleted (T; older notation c.7689delT).
Protein change: p.Gln2564fs; shifts the reading frame from glutamine 2564.
Molecular consequence: frameshift variant. On other transcripts: non-coding transcript variant (1), intron variant (2).
Genome position (GRCh38, 1-based): chr15:51,464,794, A deleted on the plus strand (T on the coding strand, the reverse complement: DMXL2 is on the minus strand). VCF-style (leftmost placement, unchanged base first): chr15-51464793-GA-G. GRCh37 (hg19) VCF-style: chr15-51756990-GA-G.
Other names: c.7689del, p.Gln2564fs (NM_001174116.3, NM_001378461.1); c.5778del, p.Gln1927fs (NM_001174117.3); c.7686del, p.Gln2563fs (NM_001378458.1, NM_001378462.1, NM_015263.5); c.5667del, p.Gln1890fs (NM_001378460.1); c.7446del, p.Gln2483fs (NM_001378464.1); c.7521-1298del (NM_001378459.1); c.7606+772del (NM_001378463.1); short protein forms Q1890fs, Q1927fs, Q2563fs, Q2564fs, Q2483fs.
Identifiers: ClinVar variation 2818107 (VCV002818107.3), dbSNP rs2543069732, ClinGen allele CA2739269470.
Genomic context (GRCh38, chr15:51,464,793, plus strand): 5'-CTCCCACTGAAAGGTCAGTTGGATATGTGTTGATATAGTTAGGGGGTGGACCTTCAAACT[GA>G]TCCATTTTCTCTTGCAAGATCTGTTCCCAGTTCTCCAAGTTTTTAATCACAGCAATACCT-3'